The following is an entry in ClinVar:

NM_001371623.1(TCOF1):c.1888G>A (p.Ala630Thr)

Gene: TCOF1 (treacle ribosome biogenesis factor 1; plus strand). Cytogenetic location: 5q32.
Variant type: single nucleotide variant.
Coding change: c.1888G>A on transcript NM_001371623.1 (MANE Select); coding-DNA position 1888, G replaced by A.
Protein change: p.Ala630Thr; replaces alanine 630 with threonine.
Molecular consequence: missense variant.
Genome position (GRCh38, 1-based): chr5:150,375,904, G>A. VCF-style: chr5-150375904-G-A. GRCh37 (hg19) VCF-style: chr5-149755467-G-A.
Other names: c.1657G>A, p.Ala553Thr (NM_000356.4, NM_001135245.2); c.1888G>A, p.Ala630Thr (NM_001008657.3, NM_001135243.2, NM_001135244.2 and 1 more transcripts); short protein forms A553T, A630T.
Identifiers: ClinVar variation 4071877 (VCV004071877.1).

ClinVar aggregate classification (germline): Uncertain significance (1 of 4 stars; one submission).

gnomAD v4.1: 4 of 1,614,114 alleles (0.00025%); highest among the groups gnomAD compares: African/African-American, 0.0053%; no homozygotes.

Submission:

GeneDx
Classification: Uncertain significance. Last evaluated: 2025-01-24. Review status: criteria provided, single submitter. Criteria: GeneDx Variant Classification Process June 2021. Collection method: clinical testing. Allele origin: germline. Affected: yes.
Comment: In silico analysis supports that this missense variant has a deleterious effect on protein structure/function; Has not been previously published as pathogenic or benign to our knowledge